The following is an entry in ClinVar:

NM_000784.4(CYP27A1):c.130C>T (p.Pro44Ser)

Gene: CYP27A1 (cytochrome P450 family 27 subfamily A member 1; plus strand). Cytogenetic location: 2q35.
Variant type: single nucleotide variant.
Coding change: c.130C>T on transcript NM_000784.4 (MANE Select); coding-DNA position 130, C replaced by T.
Protein change: p.Pro44Ser; replaces proline 44 with serine.
Molecular consequence: missense variant.
Genome position (GRCh38, 1-based): chr2:218,782,312, C>T. VCF-style: chr2-218782312-C-T. GRCh37 (hg19) VCF-style: chr2-219647035-C-T.
Other names: short protein forms P44S.
Identifiers: ClinVar variation 966578 (VCV000966578.12), dbSNP rs923201483, ClinGen allele CA350576115.
Genomic context (GRCh38, chr2:218,782,312, plus strand): 5'-GGGGCCAGAGCCAAGGCCGCGATCCCTGCCGCCCTCCCCTCGGACAAGGCCACCGGAGCT[C>T]CCGGAGCCGGGCCTGGTGTCCGGCGGCGGCAACGGAGCTTAGAGGAGATTCCACGTCTAG-3'
Protein context (NP_000775.1, residues 34-54): ALPSDKATGA[Pro44Ser]GAGPGVRRRQ

ClinVar aggregate classification (germline): Uncertain significance. Review status: criteria provided, multiple submitters, no conflicts (2 of 4 stars). 3 submissions from 3 submitters: Uncertain significance (2). 1 of the submissions does not count toward it. Last evaluated 2022-07-06.

Conditions:
Cardiovascular phenotype. Identifiers: MedGen CN230736.
Cholestanol storage disease (CTX). Also called: Cerebrotendinous Xanthomatosis; CEREBRAL CHOLESTERINOSIS; CTX: Cerebrotendinous xanthomatosis. Identifiers: Orphanet 909, MedGen C0238052, MONDO:0008948, OMIM 213700.

Allele frequency attached by ClinVar (database versions not stated): TOPMed 0.00001.
gnomAD v4.1: 4 of 1,610,594 alleles (0.00025%); highest among the groups gnomAD compares: Non-Finnish European, 0.000085%; no homozygotes.

Submissions (3):

Ambry Genetics
Classification: Uncertain significance for Cardiovascular phenotype. Last evaluated: 2022-07-06. Review status: criteria provided, single submitter. Criteria: Ambry Variant Classification Scheme 2023. Collection method: clinical testing. Allele origin: germline.
Comment: The p.P44S variant (also known as c.130C>T), located in coding exon 1 of the CYP27A1 gene, results from a C to T substitution at nucleotide position 130. The proline at codon 44 is replaced by serine, an amino acid with similar properties. This amino acid position is conserved. In addition, this alteration is predicted to be tolerated by in silico analysis. Since supporting evidence is limited at this time, the clinical significance of this alteration remains unclear.

Labcorp Genetics (formerly Invitae), Labcorp
Classification: Uncertain significance for Cholestanol storage disease. Last evaluated: 2022-05-17. Review status: criteria provided, single submitter. Criteria: Invitae Variant Classification Sherloc (09022015). Collection method: clinical testing. Allele origin: germline.
Comment: This sequence change replaces proline, which is neutral and non-polar, with serine, which is neutral and polar, at codon 44 of the CYP27A1 protein (p.Pro44Ser). This variant is not present in population databases (gnomAD no frequency). This variant has not been reported in the literature in individuals affected with CYP27A1-related conditions. ClinVar contains an entry for this variant (Variation ID: 966578). Advanced modeling of protein sequence and biophysical properties (such as structural, functional, and spatial information, amino acid conservation, physicochemical variation, residue mobility, and thermodynamic stability) performed at Invitae indicates that this missense variant is not expected to disrupt CYP27A1 protein function. In summary, the available evidence is currently insufficient to determine the role of this variant in disease. Therefore, it has been classified as a Variant of Uncertain Significance.

Natera, Inc.
Classification: Uncertain significance for Cerebrotendinous xanthomatosis. Last evaluated: 2021-03-29. Review status: no assertion criteria provided. Collection method: clinical testing. Allele origin: germline. Not counted in ClinVar's aggregate classification.